The following is an entry in ClinVar:

NM_005228.5(EGFR):c.*294del

Gene: EGFR (epidermal growth factor receptor; plus strand). Cytogenetic location: 7p11.2.
Variant type: Deletion.
Coding change: c.*294del on transcript NM_005228.5 (MANE Select); 294 bases downstream of the stop codon, one base deleted (A; older notation c.*294delA).
Molecular consequence: 3 prime UTR variant.
Genome position (GRCh38, 1-based): chr7:55,205,911, A deleted; the last of 13 consecutive A bases (chr7:55,205,899-55,205,911); deleting any one gives the same sequence. VCF-style (leftmost placement, unchanged base first): chr7-55205898-GA-G. GRCh37 (hg19) VCF-style: chr7-55273591-GA-G.
Other names: c.*294del (NM_001346899.2, NM_001346900.2, NM_001346941.2).
Identifiers: ClinVar variation 1810124 (VCV001810124.1), dbSNP rs5884404, ClinGen allele CA158940925.
Genomic context (GRCh38, chr7:55,205,898, plus strand): 5'-CGCATCCAGCAAGAATATTGTCCCTTTGAGCAGAAATTTATCTTTCAAAGAGGTATATTT[GA>G]AAAAAAAAAAAAGTATATGTGAGGATTTTTATTGATTGGGGATCTTGGAGTTTTTCATTG-3'

ClinVar aggregate classification (germline): Likely benign (1 of 4 stars; one submission).

Submission:

GeneDx
Classification: Likely benign. Last evaluated: 2021-04-16. Review status: criteria provided, single submitter. Criteria: GeneDx Variant Classification Process June 2021. Collection method: clinical testing. Allele origin: germline. Affected: yes.
Comment: See Variant Classification Assertion Criteria.